The following is an entry in ClinVar:

NM_003235.5(TG):c.7737T>C (p.Ala2579=)

Gene: TG (thyroglobulin; plus strand). Cytogenetic location: 8q24.22.
Variant type: single nucleotide variant.
Coding change: c.7737T>C on transcript NM_003235.5 (MANE Select); coding-DNA position 7737, T replaced by C.
Protein change: p.Ala2579=; no amino-acid change (alanine 2579 retained).
Molecular consequence: synonymous variant.
Genome position (GRCh38, 1-based): chr8:133,113,586, T>C. VCF-style: chr8-133113586-T-C. GRCh37 (hg19) VCF-style: chr8-134125830-T-C.
Identifiers: ClinVar variation 362000 (VCV000362000.16), dbSNP rs145611717, ClinGen allele CA4885754.

ClinVar aggregate classification (germline): Conflicting classifications of pathogenicity. Review status: criteria provided, conflicting classifications (1 of 4 stars). 5 submissions from 5 submitters: Uncertain significance (1); Benign (1); Likely benign (2). 1 of the submissions does not count toward it. Last evaluated 2026-09-01.

Conditions:
Iodotyrosyl coupling defect (TDH3). Also called: HYPOTHYROIDISM, CONGENITAL, DUE TO DYSHORMONOGENESIS, 3; THYROID HORMONOGENESIS, GENETIC DEFECT IN, 3. Identifiers: Orphanet 95716, MedGen C0342194, MONDO:0010135, OMIM 274700.
TG-related disorder. Also called: TG-related condition; TG-related disorders.

Allele frequency attached by ClinVar (database versions not stated): gnomAD exomes 0.00075 and 0.00172; gnomAD 0.00098; TOPMed 0.00107; ExAC 0.00138; ESP Exome Variant Server 0.00169.
gnomAD v4.1: 1,346 of 1,613,986 alleles (0.083%); highest among the groups gnomAD compares: Admixed American, 0.12%; 13 homozygotes.

Submissions (5):

CeGaT Center for Human Genetics Tuebingen
Classification: Likely benign. Last evaluated: 2026-09-01. Review status: criteria provided, single submitter. Criteria: CeGaT Center For Human Genetics Tuebingen Variant Classification Criteria Version 2. Collection method: clinical testing. Allele origin: germline. Affected: yes. Observed: 1 variant allele.
Comment: TG: BP4, BP7

Labcorp Genetics (formerly Invitae), Labcorp
Classification: Benign. Last evaluated: 2026-01-28. Review status: criteria provided, single submitter. Criteria: Invitae Variant Classification Sherloc (09022015). Collection method: clinical testing. Allele origin: germline.

Blueprint Genetics
Classification: Likely benign. Last evaluated: 2024-11-27. Review status: criteria provided, single submitter. Criteria: ACMG Guidelines, 2015. Collection method: clinical testing. Allele origin: germline.

Illumina Laboratory Services, Illumina
Classification: Uncertain significance for Iodotyrosyl coupling defect. Last evaluated: 2018-01-12. Review status: criteria provided, single submitter. Criteria: ICSL Variant Classification Criteria 13 December 2019. Collection method: clinical testing. Allele origin: germline.

PreventionGenetics, part of Exact Sciences
Classification: Benign for TG-related condition. Last evaluated: 2019-07-01. Review status: no assertion criteria provided. Collection method: clinical testing. Allele origin: germline. Not counted in ClinVar's aggregate classification.
Comment: This variant is classified as benign based on ACMG/AMP sequence variant interpretation guidelines (Richards et al. 2015 PMID: 25741868, with internal and published modifications).